The following is an entry in ClinVar:

NM_006940.6(SOX5):c.1507A>C (p.Ser503Arg)

Gene: SOX5 (SRY-box transcription factor 5; minus strand). Cytogenetic location: 12p12.1.
Variant type: single nucleotide variant.
Coding change: c.1507A>C on transcript NM_006940.6 (MANE Select); coding-DNA position 1507, A replaced by C.
Protein change: p.Ser503Arg; replaces serine 503 with arginine.
Molecular consequence: missense variant.
Genome position (GRCh38, 1-based): chr12:23,546,406, T>G on the plus strand (A>C on the coding strand, the complement: SOX5 is on the minus strand). VCF-style: chr12-23546406-T-G. GRCh37 (hg19) VCF-style: chr12-23699340-T-G.
Other names: c.1144A>C, p.Ser382Arg (NM_001261414.3); c.1477A>C, p.Ser493Arg (NM_001261415.3); c.1402A>C, p.Ser468Arg (NM_001330785.2); c.1468A>C, p.Ser490Arg (NM_152989.5); c.349A>C, p.Ser117Arg (NM_178010.4); short protein forms S117R, S382R, S468R, S490R, S493R, S503R.
Identifiers: ClinVar variation 3377853 (VCV003377853.1).
Genomic context (GRCh38, chr12:23,546,406, plus strand): 5'-TCATTGCATGGCTAAATTTTCCTTCTTCATTCTGTTTAACTGCCAGTTGCTGAGTCAGAC[T>G]CTCCAGTGTTGTTTTTTCCTTTAAAAAAATTATAATGAGAGATCAGTCTAGGAATTAAAA-3'
Protein context (NP_008871.3, residues 493-513): RTEKEKTTLE[Ser503Arg]LTQQLAVKQN

ClinVar aggregate classification (germline): Uncertain significance (1 of 4 stars; one submission).

Submission:

GeneDx
Classification: Uncertain significance. Last evaluated: 2024-05-14. Review status: criteria provided, single submitter. Criteria: GeneDx Variant Classification Process June 2021. Collection method: clinical testing. Allele origin: germline. Affected: yes.
Comment: Not observed at significant frequency in large population cohorts (gnomAD); In silico analysis supports that this missense variant has a deleterious effect on protein structure/function; Has not been previously published as pathogenic or benign to our knowledge